The following is an entry in ClinVar:

NM_001128164.2(ATXN1):c.1212A>G (p.Glu404=)

Gene: ATXN1 (ataxin 1; minus strand). Cytogenetic location: 6p22.3.
Variant type: single nucleotide variant.
Coding change: c.1212A>G on transcript NM_001128164.2 (MANE Select); coding-DNA position 1212, A replaced by G.
Protein change: p.Glu404=; no amino-acid change (glutamic acid 404 retained).
Molecular consequence: synonymous variant. On other transcripts: 3 prime UTR variant (1).
Genome position (GRCh38, 1-based): chr6:16,327,099, T>C on the plus strand (A>G on the coding strand, the complement: ATXN1 is on the minus strand). VCF-style: chr6-16327099-T-C. GRCh37 (hg19) VCF-style: chr6-16327330-T-C.
Other names: NC_000006.11:g.16327330T>C; c.1212A>G, p.Glu404= (NM_000332.4); c.*625A>G (NM_001357857.2).
Identifiers: ClinVar variation 128498 (VCV000128498.8), dbSNP rs2075974, ClinGen allele CA151980.
Genomic context (GRCh38, chr6:16,327,099, plus strand): 5'-CCGGTGGCCAGGCTTCCCTAAATGCAGGCCACTTTTGTCGTTGAGGGTAGAAGGGGAGGC[T>C]TCACGATGAGTGGCCTGTTGCACCTCCAGGTCAGCTGCGGGCGTGTTGCTGTTGGGCAGG-3'
Protein context (NP_001121636.1, residues 394-414): DLEVQQATHR[Glu404=]ASPSTLNDKS

ClinVar aggregate classification (germline): Likely benign (0 of 4 stars; one submission).

Allele frequency attached by ClinVar (database versions not stated): 1000 Genomes Project 0.36921; gnomAD 0.28385 and 0.28732; TOPMed 0.29798; gnomAD exomes 0.26440 and 0.23041; ExAC 0.27100; ESP Exome Variant Server 0.28095; 1000 Genomes Project 30x 0.36493.
gnomAD v4.1: 381,459 of 1,613,450 alleles (24%); highest among the groups gnomAD compares: East Asian, 48%; 49,845 homozygotes.

Submissions (3):

Dr. Peter K. Rogan Lab, Western University
No classification provided (evidence only). Condition: Squamous cell carcinoma of the head and neck. Review status: no classification provided. Collection method: in vitro. Allele origin: not applicable. Functional consequence: retained intron. Not counted in ClinVar's aggregate classification.

Dr. Peter K. Rogan Lab, Western University
No classification provided (evidence only). Condition: Malignant lymphoma, large B-cell, diffuse. Review status: no classification provided. Collection method: in vitro. Allele origin: not applicable. Functional consequence: retained intron. Not counted in ClinVar's aggregate classification.

Genetic Services Laboratory, University of Chicago
Classification: Likely benign for AllHighlyPenetrant. Review status: no assertion criteria provided. Collection method: clinical testing. Allele origin: germline. Inheritance: Autosomal dominant inheritance.
Comment: Likely benign based on allele frequency in 1000 Genomes Project or ESP global frequency and its presence in a patient with a rare or unrelated disease phenotype. NOT Sanger confirmed.